The following is an entry in ClinVar:

ClinVar aggregate classification (germline): Conflicting classifications of pathogenicity. Review status: criteria provided, conflicting classifications (1 of 4 stars). 2 submissions from 2 submitters: Uncertain significance (1); Likely benign (1). Last evaluated 2025-01-27.

Allele frequency attached by ClinVar (database versions not stated): gnomAD 0.00001; TOPMed 0.00002; gnomAD exomes 0.00005 and 0.00006; ExAC 0.00006.
gnomAD v4.1: 52 of 1,206,507 alleles (0.0043%); highest among the groups gnomAD compares: Middle Eastern, 0.025%; no homozygotes.

Submissions (2):

Labcorp Genetics (formerly Invitae), Labcorp
Classification: Uncertain significance. Last evaluated: 2025-01-27. Review status: criteria provided, single submitter. Criteria: Invitae Variant Classification Sherloc (09022015). Collection method: clinical testing. Allele origin: germline.
Comment: This sequence change replaces arginine, which is basic and polar, with glutamine, which is neutral and polar, at codon 895 of the CACNA1F protein (p.Arg895Gln). This variant is present in population databases (rs782157619, gnomAD 0.02%), and has an allele count higher than expected for a pathogenic variant. This missense change has been observed in individual(s) with CACNA1F-related conditions (internal data). ClinVar contains an entry for this variant (Variation ID: 957585). Invitae Evidence Modeling of protein sequence and biophysical properties (such as structural, functional, and spatial information, amino acid conservation, physicochemical variation, residue mobility, and thermodynamic stability) indicates that this missense variant is not expected to disrupt CACNA1F protein function with a negative predictive value of 80%. In summary, the available evidence is currently insufficient to determine the role of this variant in disease. Therefore, it has been classified as a Variant of Uncertain Significance.

Blueprint Genetics
Classification: Likely benign. Last evaluated: 2024-11-22. Review status: criteria provided, single submitter. Criteria: ACMG Guidelines, 2015. Collection method: clinical testing. Allele origin: germline.

NM_001256789.3(CACNA1F):c.2651G>A (p.Arg884Gln)

Gene: CACNA1F (calcium voltage-gated channel subunit alpha1 F; minus strand). Cytogenetic location: Xp11.23.
Variant type: single nucleotide variant.
Coding change: c.2651G>A on transcript NM_001256789.3 (MANE Select); coding-DNA position 2651, G replaced by A.
Protein change: p.Arg884Gln; replaces arginine 884 with glutamine.
Molecular consequence: missense variant.
Genome position (GRCh38, 1-based): chrX:49,219,343, C>T on the plus strand (G>A on the coding strand, the complement: CACNA1F is on the minus strand). VCF-style: chrX-49219343-C-T. GRCh37 (hg19) VCF-style: chrX-49075802-C-T.
Other names: c.2489G>A, p.Arg830Gln (NM_001256790.3); c.2684G>A, p.Arg895Gln (NM_005183.4); short protein forms R830Q, R884Q, R895Q.
Identifiers: ClinVar variation 957585 (VCV000957585.10), dbSNP rs782157619, ClinGen allele CA10410632.